The following is an entry in ClinVar:

NM_004370.6(COL12A1):c.457A>G (p.Arg153Gly)

Gene: COL12A1 (collagen type XII alpha 1 chain; minus strand). Cytogenetic location: 6q13.
Variant type: single nucleotide variant.
Coding change: c.457A>G on transcript NM_004370.6 (MANE Select); coding-DNA position 457, A replaced by G.
Protein change: p.Arg153Gly; replaces arginine 153 with glycine.
Molecular consequence: missense variant. On other transcripts: intron variant (1).
Genome position (GRCh38, 1-based): chr6:75,189,753, T>C on the plus strand (A>G on the coding strand, the complement: COL12A1 is on the minus strand). VCF-style: chr6-75189753-T-C. GRCh37 (hg19) VCF-style: chr6-75899469-T-C.
Other names: c.73+12967A>G (NM_080645.3); short protein forms R153G.
Identifiers: ClinVar variation 1474331 (VCV001474331.6), dbSNP rs2149475927, ClinGen allele CA364729692.

ClinVar aggregate classification (germline): Uncertain significance (1 of 4 stars; one submission).

Conditions:
Bethlem myopathy 2 (BTHLM2). Identifiers: Orphanet 536516, Orphanet 610, MedGen C4225313, MONDO:0034022, OMIM 616471.
Ullrich congenital muscular dystrophy 2 (UCMD2). Identifiers: Orphanet 75840, MedGen C4225314, MONDO:0014654, OMIM 616470.

gnomAD v4.1: 1 of 1,613,284 alleles (0.000062%); highest among the groups gnomAD compares: East Asian, 0.0022%; no homozygotes.

Submission:

Labcorp Genetics (formerly Invitae), Labcorp
Classification: Uncertain significance for Bethlem myopathy 2; Ullrich congenital muscular dystrophy 2. Last evaluated: 2022-04-24. Review status: criteria provided, single submitter. Criteria: Invitae Variant Classification Sherloc (09022015). Collection method: clinical testing. Allele origin: germline.
Comment: This variant has not been reported in the literature in individuals affected with COL12A1-related conditions. This variant is not present in population databases (gnomAD no frequency). This sequence change replaces arginine, which is basic and polar, with glycine, which is neutral and non-polar, at codon 153 of the COL12A1 protein (p.Arg153Gly). In summary, the available evidence is currently insufficient to determine the role of this variant in disease. Therefore, it has been classified as a Variant of Uncertain Significance. Algorithms developed to predict the effect of missense changes on protein structure and function are either unavailable or do not agree on the potential impact of this missense change (SIFT: "Deleterious"; PolyPhen-2: "Probably Damaging"; Align-GVGD: "Class C0").